The following is an entry in ClinVar:

ClinVar aggregate classification (germline): Likely benign. Review status: criteria provided, multiple submitters, no conflicts (2 of 4 stars). 3 submissions from 3 submitters: Likely benign (3). Last evaluated 2026-01-25.

Allele frequency attached by ClinVar (database versions not stated): gnomAD 0.00006 and 0.00007; TOPMed 0.00007; ESP Exome Variant Server 0.00008; gnomAD exomes 0.00010; ExAC 0.00012.
gnomAD v4.1: 98 of 1,590,670 alleles (0.0062%); highest among the groups gnomAD compares: South Asian, 0.035%; 3 homozygotes.

Submissions (3):

Labcorp Genetics (formerly Invitae), Labcorp
Classification: Likely benign. Last evaluated: 2026-01-25. Review status: criteria provided, single submitter. Criteria: Invitae Variant Classification Sherloc (09022015). Collection method: clinical testing. Allele origin: germline.

CeGaT Center for Human Genetics Tuebingen
Classification: Likely benign. Last evaluated: 2024-12-01. Review status: criteria provided, single submitter. Criteria: CeGaT Center For Human Genetics Tuebingen Variant Classification Criteria Version 2. Collection method: clinical testing. Allele origin: germline. Affected: yes. Observed: 1 variant allele.
Comment: OCA2: BP4, BP7

Blueprint Genetics
Classification: Likely benign. Last evaluated: 2023-07-27. Review status: criteria provided, single submitter. Criteria: ACMG Guidelines, 2015. Collection method: clinical testing. Allele origin: germline.

NM_000275.3(OCA2):c.1221C>T (p.Phe407=)

Gene: OCA2 (OCA2 melanosomal transmembrane protein; minus strand). Cytogenetic location: 15q13.1.
Variant type: single nucleotide variant.
Coding change: c.1221C>T on transcript NM_000275.3 (MANE Select); coding-DNA position 1221, C replaced by T.
Protein change: p.Phe407=; no amino-acid change (phenylalanine 407 retained).
Molecular consequence: synonymous variant.
Genome position (GRCh38, 1-based): chr15:27,986,605, G>A on the plus strand (C>T on the coding strand, the complement: OCA2 is on the minus strand). VCF-style: chr15-27986605-G-A. GRCh37 (hg19) VCF-style: chr15-28231751-G-A.
Other names: c.1149C>T, p.Phe383= (NM_001300984.2).
Identifiers: ClinVar variation 1618232 (VCV001618232.23), dbSNP rs370349105, ClinGen allele CA7439140.
Genomic context (GRCh38, chr15:27,986,605, plus strand): 5'-AATTAATCAGGATAGAATTATTAAATGCAACATCATACCTACCTTTACAGCACAATAATC[G>A]AAAAATCCCGTTTCTGAAAATATGGCTACTAAGATCATCTATGGGGAAAAGAAGAAGACA-3'
Protein context (NP_000266.2, residues 397-417): LVAIFSETGF[Phe407=]DYCAVKAYRL